The following is an entry in ClinVar:

ClinVar aggregate classification (germline): Uncertain significance (1 of 4 stars; one submission).

Submission:

GeneDx
Classification: Uncertain significance. Last evaluated: 2024-04-23. Review status: criteria provided, single submitter. Criteria: GeneDx Variant Classification Process June 2021. Collection method: clinical testing. Allele origin: germline. Affected: yes.
Comment: Not observed at significant frequency in large population cohorts (gnomAD); In silico analysis supports that this missense variant has a deleterious effect on protein structure/function; Has not been previously published as pathogenic or benign to our knowledge

NM_001164760.2(PRKAR1B):c.308A>T (p.Glu103Val)

Gene: PRKAR1B (protein kinase cAMP-dependent type I regulatory subunit beta; minus strand). Cytogenetic location: 7p22.3.
Variant type: single nucleotide variant.
Coding change: c.308A>T on transcript NM_001164760.2 (MANE Select); coding-DNA position 308, A replaced by T.
Protein change: p.Glu103Val; replaces glutamic acid 103 with valine.
Molecular consequence: missense variant.
Genome position (GRCh38, 1-based): chr7:680,596, T>A on the plus strand (A>T on the coding strand, the complement: PRKAR1B is on the minus strand). VCF-style: chr7-680596-T-A. GRCh37 (hg19) VCF-style: chr7-720233-T-A.
Other names: c.308A>T, p.Glu103Val (NM_001164758.2, NM_001164759.1, NM_001164761.2 and 2 more transcripts); short protein forms E103V.
Identifiers: ClinVar variation 3372525 (VCV003372525.1).